The following is an entry in ClinVar:

NM_001844.5(COL2A1):c.1502G>T (p.Gly501Val)

Gene: COL2A1 (collagen type II alpha 1 chain; minus strand). Cytogenetic location: 12q13.11.
Variant type: single nucleotide variant.
Coding change: c.1502G>T on transcript NM_001844.5 (MANE Select); coding-DNA position 1502, G replaced by T.
Protein change: p.Gly501Val; replaces glycine 501 with valine.
Molecular consequence: missense variant.
Genome position (GRCh38, 1-based): chr12:47,986,361, C>A on the plus strand (G>T on the coding strand, the complement: COL2A1 is on the minus strand). VCF-style: chr12-47986361-C-A. GRCh37 (hg19) VCF-style: chr12-48380144-C-A.
Other names: c.1295G>T, p.Gly432Val (NM_033150.3); short protein forms G432V, G501V.
Identifiers: ClinVar variation 3347184 (VCV003347184.1).

ClinVar aggregate classification (germline): Likely pathogenic (0 of 4 stars; one submission).

Conditions:
COL2A1-related disorder. Also called: COL2A1-related condition; COL2A1-related disorders.

Submission:

PreventionGenetics, part of Exact Sciences
Classification: Likely pathogenic for COL2A1-related condition. Last evaluated: 2024-08-29. Review status: no assertion criteria provided. Collection method: clinical testing. Allele origin: germline.
Comment: The COL2A1 c.1502G>T variant is predicted to result in the amino acid substitution p.Gly501Val. To our knowledge, this variant has not been reported in the literature or in a large population database, indicating this variant is rare. The amino acid p.Gly501 resides within the triple helical region of COL2A1 (amino acids 201-1214). Glycine substitutions in the triple helical region of COL2A1are expected to be pathogenic (Barat-Houari et al. 2016. PubMed ID: 26626311). In addition, a different glycine substitution at the same amino acid position (p.Gly501Arg) has been reported in individuals with Stickler syndrome or spondyloepiphyseal dysplasia congenita (see, for example, Richards et al. 2010. PubMed ID: 20513134; reported de novo in Zhang et al. 2021. PubMed ID: 34091931). In summary, this variant is interpreted as likely pathogenic.